The following is an entry in ClinVar:

ClinVar aggregate classification (germline): Benign/Likely benign. Review status: criteria provided, multiple submitters, no conflicts (2 of 4 stars). 5 submissions from 5 submitters: Benign (1); Likely benign (4). Last evaluated 2025-07-31.

Conditions:
Breast and/or ovarian cancer. Identifiers: MedGen CN221562.
Hereditary cancer-predisposing syndrome. Also called: Tumor predisposition; Neoplastic Syndromes, Hereditary; Hereditary Cancer Syndrome; Hereditary neoplastic syndrome. Identifiers: Orphanet 140162, MedGen C0027672, MeSH D009386, MONDO:0015356.
Hereditary diffuse gastric adenocarcinoma (HDGC). Also called: DIFFUSE GASTRIC AND LOBULAR BREAST CANCER SYNDROME. Identifiers: Orphanet 26106, MedGen C1708349, MONDO:0007648, OMIM 137215.

Allele frequency attached by ClinVar (database versions not stated): gnomAD exomes below 0.00001.
gnomAD v4.1: 3 of 1,614,060 alleles (0.00019%); highest among the groups gnomAD compares: Non-Finnish European, 0.00025%; no homozygotes.

Submissions (5):

Labcorp Genetics (formerly Invitae), Labcorp
Classification: Likely benign for Hereditary diffuse gastric adenocarcinoma. Last evaluated: 2025-07-31. Review status: criteria provided, single submitter. Criteria: Invitae Variant Classification Sherloc (09022015). Collection method: clinical testing. Allele origin: germline.

Myriad Genetics, Inc.
Classification: Benign for Hereditary diffuse gastric adenocarcinoma. Last evaluated: 2024-09-23. Review status: criteria provided, single submitter. Criteria: Myriad Autosomal Dominant, Autosomal Recessive and X-Linked Classification Criteria (2023). Collection method: clinical testing. Allele origin: unknown.
Comment: This variant is considered benign. This variant is a silent/synonymous amino acid change and it is not expected to impact splicing.

CHEO Genetics Diagnostic Laboratory, Children's Hospital of Eastern Ontario
Classification: Likely benign for Breast and/or ovarian cancer. Last evaluated: 2020-02-21. Review status: criteria provided, single submitter. Criteria: ACMG Guidelines, 2015. Collection method: clinical testing. Allele origin: germline.

Color Diagnostics, LLC DBA Color Health
Classification: Likely benign for Hereditary cancer-predisposing syndrome. Last evaluated: 2018-03-22. Review status: criteria provided, single submitter. Criteria: ACMG Guidelines, 2015. Collection method: clinical testing. Allele origin: germline.

Ambry Genetics
Classification: Likely benign for Hereditary cancer-predisposing syndrome. Last evaluated: 2018-01-16. Review status: criteria provided, single submitter. Criteria: Ambry Variant Classification Scheme 2023. Collection method: clinical testing. Allele origin: germline.

NM_004360.5(CDH1):c.2232A>G (p.Pro744=)

Gene: CDH1 (cadherin 1; plus strand). Cytogenetic location: 16q22.1.
Variant type: single nucleotide variant.
Coding change: c.2232A>G on transcript NM_004360.5 (MANE Select); coding-DNA position 2232, A replaced by G.
Protein change: p.Pro744=; no amino-acid change (proline 744 retained).
Molecular consequence: synonymous variant.
Genome position (GRCh38, 1-based): chr16:68,828,241, A>G. VCF-style: chr16-68828241-A-G. GRCh37 (hg19) VCF-style: chr16-68862144-A-G.
Other names: c.2049A>G, p.Pro683= (NM_001317184.2); c.684A>G, p.Pro228= (NM_001317185.2); c.267A>G, p.Pro89= (NM_001317186.2).
Identifiers: ClinVar variation 627973 (VCV000627973.17), dbSNP rs879026401, ClinGen allele CA283314847.